The following is an entry in ClinVar:

ClinVar aggregate classification (germline): Conflicting classifications of pathogenicity. Review status: criteria provided, conflicting classifications (1 of 4 stars). 3 submissions from 3 submitters: Likely pathogenic (2); Uncertain significance (1). Last evaluated 2026-01-22.

Conditions:
Alport syndrome. Also called: Hemorrhagic familial nephritis; Hemorrhagic hereditary nephritis; Congenital hereditary hematuria. Identifiers: Orphanet 63, MedGen C1567741, MONDO:0018965.
Inborn genetic diseases. Identifiers: MedGen C0950123, MeSH D030342.
Hematuria. Identifiers: MedGen C0018965, HP:0000790.

Submissions (3):

Genetics Laboratory, Great Ormond Street Hospital NHS Foundation Trust, North Thames Genomic Laboratory Hub
Classification: Likely pathogenic for Haematuria. Last evaluated: 2026-01-22. Review status: criteria provided, single submitter. Criteria: ACGS Best Practice Guidelines for Variant Classification in Rare Disease 2024 v1.2. Collection method: clinical testing. Allele origin: germline. Affected: yes.
Comment: PM2_moderate, PP3_supporting, PM5_supporting, PM1_strong

Natera, Inc.
Classification: Likely pathogenic for Alport syndrome. Last evaluated: 2025-09-04. Review status: criteria provided, single submitter. Criteria: Natera Variant Classification Schema (03/2026). Collection method: clinical testing. Allele origin: germline.
Comment: The c.1970G>T variant in COL4A4 is a missense variant predicted to cause substitution of glycine to valine at amino acid 657. This variant is rare in the general population with a frequency below the threshold expected for the associated phenotype(s). This variant is located in a functionally critical region of the protein. Computational prediction algorithms indicate this variant is likely to affect gene or protein function. Given the available evidence, this variant is classified as Likely Pathogenic.

Ambry Genetics
Classification: Uncertain significance for Inborn genetic diseases. Last evaluated: 2023-12-06. Review status: criteria provided, single submitter. Criteria: Ambry Variant Classification Scheme 2023. Collection method: clinical testing. Allele origin: germline.

NM_000092.5(COL4A4):c.1970G>T (p.Gly657Val)

Gene: COL4A4 (collagen type IV alpha 4 chain; minus strand). Cytogenetic location: 2q36.3.
Variant type: single nucleotide variant.
Coding change: c.1970G>T on transcript NM_000092.5 (MANE Select); coding-DNA position 1970, G replaced by T.
Protein change: p.Gly657Val; replaces glycine 657 with valine.
Molecular consequence: missense variant.
Genome position (GRCh38, 1-based): chr2:227,077,911, C>A on the plus strand (G>T on the coding strand, the complement: COL4A4 is on the minus strand). VCF-style: chr2-227077911-C-A. GRCh37 (hg19) VCF-style: chr2-227942627-C-A.
Other names: short protein forms G657V.
Identifiers: ClinVar variation 3147597 (VCV003147597.3), dbSNP rs755233004, ClinGen allele CA350845123.